The following is an entry in ClinVar:

ClinVar aggregate classification (germline): Benign. Review status: criteria provided, multiple submitters, no conflicts (2 of 4 stars). 2 submissions from 2 submitters: Benign (2). Last evaluated 2017-04-27.

Conditions:
Troyer syndrome (SPG20). Identifiers: Orphanet 101000, MedGen C0393559, MONDO:0010156, OMIM 275900.

Allele frequency attached by ClinVar (database versions not stated): gnomAD 0.01518 and 0.01632; TOPMed 0.01734; 1000 Genomes Project 0.01817; 1000 Genomes Project 30x 0.02092.

Submissions (2):

Illumina Laboratory Services, Illumina
Classification: Benign for Troyer syndrome. Last evaluated: 2017-04-27. Review status: criteria provided, single submitter. Criteria: ICSL Variant Classification Criteria 13 December 2019. Collection method: clinical testing. Allele origin: germline.
Comment: This variant was observed as part of a predisposition screen in an ostensibly healthy population. A literature search was performed for the gene, cDNA change, and amino acid change (where applicable). No publications were found based on this search. Allele frequency data from public databases was too high to be consistent with this variant causing disease. Therefore, this variant is classified as benign.

Breakthrough Genomics
Classification: Benign. Review status: criteria provided, single submitter. Criteria: ACMG Guidelines, 2015. Collection method: not provided. Allele origin: germline. Inheritance: Autosomal recessive inheritance. Affected: yes.

NM_015087.5(SPART):c.*909A>G

Gene: SPART (spartin; minus strand). Cytogenetic location: 13q13.3.
Variant type: single nucleotide variant.
Coding change: c.*909A>G on transcript NM_015087.5 (MANE Select); 909 bases downstream of the stop codon, A replaced by G.
Molecular consequence: 3 prime UTR variant.
Genome position (GRCh38, 1-based): chr13:36,303,456, T>C on the plus strand (A>G on the coding strand, the complement: SPART is on the minus strand). VCF-style: chr13-36303456-T-C. GRCh37 (hg19) VCF-style: chr13-36877593-T-C.
Other names: c.*909A>G (NM_001142294.2, NM_001142295.2, NM_001142296.2).
Identifiers: ClinVar variation 884021 (VCV000884021.5), dbSNP rs77214733, ClinGen allele CA248153539.